The following is an entry in ClinVar:

NM_025114.4(CEP290):c.251-10A>T

Gene: CEP290 (centrosomal protein 290; minus strand). Cytogenetic location: 12q21.32.
Variant type: single nucleotide variant.
Coding change: c.251-10A>T on transcript NM_025114.4 (MANE Select); 10 bases into the intron before coding-DNA position 251, A replaced by T.
Molecular consequence: intron variant.
Genome position (GRCh38, 1-based): chr12:88,139,201, T>A on the plus strand (A>T on the coding strand, the complement: CEP290 is on the minus strand). VCF-style: chr12-88139201-T-A. GRCh37 (hg19) VCF-style: chr12-88532978-T-A.
Other names: p.?.
Identifiers: ClinVar variation 126251 (VCV000126251.37), dbSNP rs190383141, ClinGen allele CA150897.

ClinVar aggregate classification (germline): Benign/Likely benign. Review status: criteria provided, multiple submitters, no conflicts (2 of 4 stars). 15 submissions from 11 submitters: Benign (10); Likely benign (4). 1 of the submissions does not count toward it. Last evaluated 2026-02-04.

Conditions:
Kidney disorder. Also called: Nephropathy; Kidney Diseases; renal disease; renal disorder; Kidney disease. Identifiers: MedGen C0022658, MONDO:0005240, HP:0000112.
Meckel-Gruber syndrome. Also called: DYSENCEPHALIA SPLANCHNOCYSTICA; GRUBER SYNDROME; Dysencephalia splachnocystica. Identifiers: Orphanet 564, MedGen C0265215, MONDO:0018921.
Nephronophthisis. Also called: Juvenile Nephronophthisis. Identifiers: Orphanet 655, MedGen C0687120, MONDO:0019005, HP:0000090.
Joubert syndrome. Also called: CEREBELLOPARENCHYMAL DISORDER IV; Familial aplasia of the vermis; JOUBERT-BOLTSHAUSER SYNDROME. Identifiers: Orphanet 475, MedGen C5979921, MONDO:0018772.
Meckel syndrome, type 4 (MKS4). Also called: MECKEL-GRUBER SYNDROME, TYPE 4. Identifiers: Orphanet 564, MedGen C1970161, MONDO:0012626, OMIM 611134.
Bardet-Biedl syndrome 14 (BBS14). Identifiers: Orphanet 110, MedGen C2673874, MONDO:0014442, OMIM 615991.
Leber congenital amaurosis 10 (LCA10). Identifiers: Orphanet 65, MedGen C1857821, MONDO:0012723, OMIM 611755.
Senior-Loken syndrome 6 (SLSN6). Identifiers: Orphanet 3156, MedGen C1857779, MONDO:0012433, OMIM 610189.
Joubert syndrome 5 (JBTS5). Identifiers: Orphanet 2318, MedGen C1857780, MONDO:0012432, OMIM 610188.

Allele frequency attached by ClinVar (database versions not stated): gnomAD exomes 0.00239 and 0.00535; ExAC 0.00927; 1000 Genomes Project 0.01857; gnomAD 0.01889 and 0.02052; TOPMed 0.02193.
gnomAD v4.1: 5,230 of 1,086,436 alleles (0.48%); highest among the groups gnomAD compares: African/African-American, 6%; 123 homozygotes.

Submissions (15):

Labcorp Genetics (formerly Invitae), Labcorp
Classification: Benign for Joubert syndrome; Meckel-Gruber syndrome; Nephronophthisis. Last evaluated: 2026-02-04. Review status: criteria provided, single submitter. Criteria: Invitae Variant Classification Sherloc (09022015). Collection method: clinical testing. Allele origin: germline.

ARUP Laboratories, Molecular Genetics and Genomics, ARUP Laboratories
Classification: Benign. Last evaluated: 2023-11-29. Review status: criteria provided, single submitter. Criteria: ARUP Molecular Germline Variant Investigation Process 2024. Collection method: clinical testing. Allele origin: germline.

Mayo Clinic Laboratories, Mayo Clinic
Classification: Benign. Last evaluated: 2023-04-03. Review status: criteria provided, single submitter. Criteria: ACMG Guidelines, 2015. Collection method: clinical testing. Allele origin: germline. Observed: 8 variant alleles.

Athena Diagnostics
Classification: Benign. Last evaluated: 2018-02-09. Review status: criteria provided, single submitter. Criteria: Athena Diagnostics Criteria. Collection method: clinical testing. Allele origin: germline.

Illumina Laboratory Services, Illumina
Classification: Benign for Senior-Loken syndrome 6. Last evaluated: 2018-01-12. Review status: criteria provided, single submitter. Criteria: ICSL Variant Classification Criteria 13 December 2019. Collection method: clinical testing. Allele origin: germline.
Comment: This variant was observed in the ICSL laboratory as part of a predisposition screen in an ostensibly healthy population. It had not been previously curated by ICSL or reported in the Human Gene Mutation Database (HGMD: prior to June 1st, 2018), and was therefore a candidate for classification through an automated scoring system. Utilizing variant allele frequency, disease prevalence and penetrance estimates, and inheritance mode, an automated score was calculated to assess if this variant is too frequent to cause the disease. Based on the score and internal cut-off values, a variant classified as benign is not then subjected to further curation. The score for this variant resulted in a classification of benign for this disease.

Illumina Laboratory Services, Illumina
Classification: Likely benign for Leber congenital amaurosis 10. Last evaluated: 2018-01-12. Review status: criteria provided, single submitter. Criteria: ICSL Variant Classification Criteria 13 December 2019. Collection method: clinical testing. Allele origin: germline.
Comment: This variant was observed in the ICSL laboratory as part of a predisposition screen in an ostensibly healthy population. It had not been previously curated by ICSL or reported in the Human Gene Mutation Database (HGMD: prior to June 1st, 2018), and was therefore a candidate for classification through an automated scoring system. Utilizing variant allele frequency, disease prevalence and penetrance estimates, and inheritance mode, an automated score was calculated to assess if this variant is too frequent to cause the disease. Based on the score and internal cut-off values, a variant classified as likely benign is not then subjected to further curation. The score for this variant resulted in a classification of likely benign for this disease.

Illumina Laboratory Services, Illumina
Classification: Benign for Joubert syndrome 5. Last evaluated: 2018-01-12. Review status: criteria provided, single submitter. Criteria: ICSL Variant Classification Criteria 13 December 2019. Collection method: clinical testing. Allele origin: germline.
Comment: the same text as in the submission from Illumina Laboratory Services, Illumina above.

Illumina Laboratory Services, Illumina
Classification: Benign for Bardet-Biedl syndrome 14. Last evaluated: 2018-01-12. Review status: criteria provided, single submitter. Criteria: ICSL Variant Classification Criteria 13 December 2019. Collection method: clinical testing. Allele origin: germline.
Comment: the same text as in the submission from Illumina Laboratory Services, Illumina above.

Illumina Laboratory Services, Illumina
Classification: Likely benign for Meckel syndrome, type 4. Last evaluated: 2018-01-12. Review status: criteria provided, single submitter. Criteria: ICSL Variant Classification Criteria 13 December 2019. Collection method: clinical testing. Allele origin: germline.
Comment: the same text as in the submission from Illumina Laboratory Services, Illumina above.

Genome Diagnostics Laboratory, The Hospital for Sick Children
Classification: Likely benign for Kidney disorder. Last evaluated: 2016-12-12. Review status: criteria provided, single submitter. Criteria: ACMG Guidelines, 2015. Collection method: clinical testing. Allele origin: germline.

GeneDx
Classification: Benign. Last evaluated: 2016-09-20. Review status: criteria provided, single submitter. Criteria: GeneDx Variant Classification (06012015). Collection method: clinical testing. Allele origin: germline. Affected: yes.
Comment: This variant is considered likely benign or benign based on one or more of the following criteria: it is a conservative change, it occurs at a poorly conserved position in the protein, it is predicted to be benign by multiple in silico algorithms, and/or has population frequency not consistent with disease.

Eurofins Ntd Llc (ga)
Classification: Benign. Last evaluated: 2014-04-01. Review status: criteria provided, single submitter. Criteria: EGL Classification Definitions 2015. Collection method: clinical testing. Allele origin: germline. Observed: 1 variant allele, 1 heterozygote.

Breakthrough Genomics
Classification: Likely benign. Review status: criteria provided, single submitter. Criteria: ACMG Guidelines, 2015. Collection method: not provided. Allele origin: germline. Inheritance: Autosomal recessive inheritance. Affected: yes.

PreventionGenetics, part of Exact Sciences
Classification: Benign. Review status: criteria provided, single submitter. Criteria: ACMG Guidelines, 2015. Collection method: clinical testing. Allele origin: germline.

Genetic Services Laboratory, University of Chicago
Classification: Likely benign for AllHighlyPenetrant. Review status: no assertion criteria provided. Collection method: clinical testing. Allele origin: germline. Inheritance: Autosomal recessive inheritance. Observed: 2 variant alleles. Not counted in ClinVar's aggregate classification.
Comment: Likely benign based on allele frequency in 1000 Genomes Project or ESP global frequency and its presence in a patient with a rare or unrelated disease phenotype. NOT Sanger confirmed.